The following is an entry in ClinVar:

ClinVar aggregate classification (germline): Likely pathogenic (1 of 4 stars; one submission).

Submission:

Labcorp Genetics (formerly Invitae), Labcorp
Classification: Likely pathogenic. Last evaluated: 2017-07-02. Review status: criteria provided, single submitter. Criteria: Invitae Variant Classification Sherloc (09022015). Collection method: clinical testing. Allele origin: germline.
Comment: In summary, the currently available evidence indicates that the variant is pathogenic, but additional data are needed to prove that conclusively. Therefore, this variant has been classified as Likely Pathogenic. Loss-of-function variants in SNX14 are known to be pathogenic (PMID: 25439728, 25848753). Sub-genic duplications are generally in tandem (PMID: 25640679), and result in an absent or disrupted protein. This variant has not been reported in the literature in individuals with SNX14-related disease. This variant is a gross duplication of the genomic region encompassing exons 8-14 of the SNX14 gene. While the exact position of the duplicated exons cannot be determined from this data, the duplicated copy of this region is likely in tandem and may result in an absent or disrupted protein product.

Literature cited by the submitters: PubMed 25439728; PubMed 25848753; PubMed 25640679.

NC_000006.11:g.(?_86252900)_(86259597_?)dup

Gene: SNX14 (sorting nexin 14; minus strand). Cytogenetic location: 6q14.3.
Variant type: Duplication.
Identifiers: ClinVar variation 1066863 (VCV001066863.7).